The following is an entry in ClinVar:

ClinVar aggregate classification (germline): Likely benign. Review status: criteria provided, multiple submitters, no conflicts (2 of 4 stars). 2 submissions from 2 submitters: Likely benign (2). Last evaluated 2018-06-16.

Allele frequency attached by ClinVar (database versions not stated): gnomAD 0.00487 and 0.00584; TOPMed 0.00488; ESP Exome Variant Server 0.00500; gnomAD exomes 0.00698; ExAC 0.00789; 1000 Genomes Project 30x 0.01124; 1000 Genomes Project 0.01198.
gnomAD v4.1: 6,535 of 1,607,274 alleles (0.41%); highest among the groups gnomAD compares: South Asian, 3.7%; 100 homozygotes.

Submissions (2):

GeneDx
Classification: Likely benign. Last evaluated: 2018-06-16. Review status: criteria provided, single submitter. Criteria: GeneDx Variant Classification (06012015). Collection method: clinical testing. Allele origin: germline. Affected: yes.
Comment: This variant is considered likely benign or benign based on one or more of the following criteria: it is a conservative change, it occurs at a poorly conserved position in the protein, it is predicted to be benign by multiple in silico algorithms, and/or has population frequency not consistent with disease.

Breakthrough Genomics
Classification: Likely benign. Review status: criteria provided, single submitter. Criteria: ACMG Guidelines, 2015. Collection method: not provided. Allele origin: germline. Inheritance: Autosomal recessive inheritance. Affected: yes.

NM_014141.6(CNTNAP2):c.2384-38G>T

Gene: CNTNAP2 (contactin associated protein 2; plus strand). Cytogenetic location: 7q35.
Variant type: single nucleotide variant.
Coding change: c.2384-38G>T on transcript NM_014141.6 (MANE Select); 38 bases into the intron before coding-DNA position 2384, G replaced by T.
Molecular consequence: intron variant.
Genome position (GRCh38, 1-based): chr7:148,118,080, G>T. VCF-style: chr7-148118080-G-T. GRCh37 (hg19) VCF-style: chr7-147815172-G-T.
Identifiers: ClinVar variation 674330 (VCV000674330.2), dbSNP rs150399194, ClinGen allele CA4546389.